The following is an entry in ClinVar:

NM_152281.3(GORAB):c.-15C>T

Genes: GORAB (golgin, RAB6 interacting; plus strand), GORAB-AS1 (GORAB antisense RNA 1; minus strand). Cytogenetic location: 1q24.2.
Variant type: single nucleotide variant.
Coding change: c.-15C>T on transcript NM_152281.3 (MANE Select); 15 bases upstream of the start codon, C replaced by T.
Molecular consequence: 5 prime UTR variant. On other transcripts: non-coding transcript variant (1).
Genome position (GRCh38, 1-based): chr1:170,532,209, C>T. VCF-style: chr1-170532209-C-T. GRCh37 (hg19) VCF-style: chr1-170501350-C-T.
Other names: c.-15C>T (NM_001146039.2); c.-780C>T (NM_001320252.2); c.61C>T (NM_152281.2).
Identifiers: ClinVar variation 1390022 (VCV001390022.4), dbSNP rs144791627, ClinGen allele CA1238985.

ClinVar aggregate classification (germline): Conflicting classifications of pathogenicity. Review status: criteria provided, conflicting classifications (1 of 4 stars). 2 submissions from 2 submitters: Uncertain significance (1); Likely benign (1). Last evaluated 2022-07-12.

Conditions:
Inborn genetic diseases. Identifiers: MedGen C0950123, MeSH D030342.

Allele frequency attached by ClinVar (database versions not stated): ExAC 0.00005; gnomAD exomes 0.00005 and 0.00009; ESP Exome Variant Server 0.00008.
gnomAD v4.1: 129 of 1,613,814 alleles (0.008%); highest among the groups gnomAD compares: Non-Finnish European, 0.01%; no homozygotes.

Submissions (2):

Labcorp Genetics (formerly Invitae), Labcorp
Classification: Uncertain significance. Last evaluated: 2022-07-12. Review status: criteria provided, single submitter. Criteria: Invitae Variant Classification Sherloc (09022015). Collection method: clinical testing. Allele origin: germline.
Comment: This sequence change replaces arginine, which is basic and polar, with tryptophan, which is neutral and slightly polar, at codon 21 of the GORAB protein (p.Arg21Trp). This variant is present in population databases (rs144791627, gnomAD 0.007%). This variant has not been reported in the literature in individuals affected with GORAB-related conditions. ClinVar contains an entry for this variant (Variation ID: 1390022). Algorithms developed to predict the effect of missense changes on protein structure and function output the following: SIFT: "Tolerated"; PolyPhen-2: "Benign"; Align-GVGD: "Class C0". The tryptophan amino acid residue is found in multiple mammalian species, which suggests that this missense change does not adversely affect protein function. In summary, the available evidence is currently insufficient to determine the role of this variant in disease. Therefore, it has been classified as a Variant of Uncertain Significance.

Ambry Genetics
Classification: Likely benign for Inborn genetic diseases. Last evaluated: 2021-06-22. Review status: criteria provided, single submitter. Criteria: Ambry Variant Classification Scheme 2023. Collection method: clinical testing. Allele origin: germline.